The following is an entry in ClinVar:

NM_004341.5(CAD):c.4329C>G (p.Ile1443Met)

Gene: CAD (carbamoyl-phosphate synthetase 2, aspartate transcarbamylase, and dihydroorotase; plus strand). Cytogenetic location: 2p23.3.
Variant type: single nucleotide variant.
Coding change: c.4329C>G on transcript NM_004341.5 (MANE Select); coding-DNA position 4329, C replaced by G.
Protein change: p.Ile1443Met; replaces isoleucine 1443 with methionine.
Molecular consequence: missense variant.
Genome position (GRCh38, 1-based): chr2:27,236,763, C>G. VCF-style: chr2-27236763-C-G. GRCh37 (hg19) VCF-style: chr2-27459631-C-G.
Other names: c.4140C>G, p.Ile1380Met (NM_001306079.2); short protein forms I1380M, I1443M.
Identifiers: ClinVar variation 2794006 (VCV002794006.3), dbSNP rs374650163, ClinGen allele CA346219406.

ClinVar aggregate classification (germline): Uncertain significance (1 of 4 stars; one submission).

Allele frequency attached by ClinVar (database versions not stated): gnomAD 0.00001.

Submission:

Labcorp Genetics (formerly Invitae), Labcorp
Classification: Uncertain significance. Last evaluated: 2023-02-19. Review status: criteria provided, single submitter. Criteria: Invitae Variant Classification Sherloc (09022015). Collection method: clinical testing. Allele origin: germline.
Comment: This variant is present in population databases (no rsID available, gnomAD 0.01%). In summary, the available evidence is currently insufficient to determine the role of this variant in disease. Therefore, it has been classified as a Variant of Uncertain Significance. An algorithm developed to predict the effect of missense changes on protein structure and function (PolyPhen-2) suggests that this variant is likely to be tolerated. This variant has not been reported in the literature in individuals affected with CAD-related conditions. This sequence change replaces isoleucine, which is neutral and non-polar, with methionine, which is neutral and non-polar, at codon 1443 of the CAD protein (p.Ile1443Met).